The following is an entry in ClinVar:

ClinVar aggregate classification (germline): Conflicting classifications of pathogenicity. Review status: criteria provided, conflicting classifications (1 of 4 stars). 4 submissions from 4 submitters: Uncertain significance (3); Benign (1). Last evaluated 2025-09-25.

Conditions:
Hereditary cancer-predisposing syndrome. Also called: Hereditary neoplastic syndrome; Neoplastic Syndromes, Hereditary; Tumor predisposition; Hereditary Cancer Syndrome. Identifiers: Orphanet 140162, MedGen C0027672, MeSH D009386, MONDO:0015356.
Fanconi anemia complementation group O. Also called: RAD51C-Related Fanconi Anemia. Identifiers: Orphanet 84, MedGen C3150653, MONDO:0013248, OMIM 613390.
Breast-ovarian cancer, familial, susceptibility to, 3. Also called: RAD51C-Related Breast/Ovarian Cancer. Identifiers: Orphanet 145, MedGen C3150659, MONDO:0013253, OMIM 613399.

Submissions (4):

Ambry Genetics
Classification: Benign for Hereditary cancer-predisposing syndrome. Last evaluated: 2025-09-25. Review status: criteria provided, single submitter. Criteria: Ambry Variant Classification Scheme 2023. Collection method: clinical testing. Allele origin: germline.

Labcorp Genetics (formerly Invitae), Labcorp
Classification: Uncertain significance for Fanconi anemia complementation group O. Last evaluated: 2025-07-28. Review status: criteria provided, single submitter. Criteria: Invitae Variant Classification Sherloc (09022015). Collection method: clinical testing. Allele origin: germline.
Comment: This sequence change replaces threonine, which is neutral and polar, with alanine, which is neutral and non-polar, at codon 325 of the RAD51C protein (p.Thr325Ala). This variant is not present in population databases (gnomAD no frequency). This variant has not been reported in the literature in individuals affected with RAD51C-related conditions. ClinVar contains an entry for this variant (Variation ID: 482179). Invitae Evidence Modeling of protein sequence and biophysical properties (such as structural, functional, and spatial information, amino acid conservation, physicochemical variation, residue mobility, and thermodynamic stability) indicates that this missense variant is not expected to disrupt RAD51C protein function with a negative predictive value of 80%. In summary, the available evidence is currently insufficient to determine the role of this variant in disease. Therefore, it has been classified as a Variant of Uncertain Significance.

Color Diagnostics, LLC DBA Color Health
Classification: Uncertain significance for Hereditary cancer-predisposing syndrome. Last evaluated: 2023-12-05. Review status: criteria provided, single submitter. Criteria: ACMG Guidelines, 2015. Collection method: clinical testing. Allele origin: germline.
Comment: This missense variant replaces threonine with alanine at codon 325 of the RAD51C protein. Computational prediction suggests that this variant may not impact protein structure and function (internally defined REVEL score threshold <= 0.5, PMID: 27666373). To our knowledge, functional studies have not been reported for this variant. This variant has not been reported in individuals affected with RAD51C-related disorders in the literature. This variant has not been identified in the general population by the Genome Aggregation Database (gnomAD). The available evidence is insufficient to determine the role of this variant in disease conclusively. Therefore, this variant is classified as a Variant of Uncertain Significance.

Baylor Genetics
Classification: Uncertain significance for Breast-ovarian cancer, familial, susceptibility to, 3. Last evaluated: 2023-07-18. Review status: criteria provided, single submitter. Criteria: ACMG Guidelines, 2015. Collection method: clinical testing. Allele origin: unknown.

NM_058216.3(RAD51C):c.973A>G (p.Thr325Ala)

Gene: RAD51C (RAD51 paralog C; plus strand). Cytogenetic location: 17q22.
Variant type: single nucleotide variant.
Coding change: c.973A>G on transcript NM_058216.3 (MANE Select); coding-DNA position 973, A replaced by G.
Protein change: p.Thr325Ala; replaces threonine 325 with alanine.
Molecular consequence: missense variant. On other transcripts: non-coding transcript variant (1).
Genome position (GRCh38, 1-based): chr17:58,732,491, A>G. VCF-style: chr17-58732491-A-G. GRCh37 (hg19) VCF-style: chr17-56809852-A-G.
Other names: short protein forms T325A.
Identifiers: ClinVar variation 482179 (VCV000482179.21), dbSNP rs1555605054, ClinGen allele CA400364863.